The following is an entry in ClinVar:

ClinVar aggregate classification (germline): Uncertain significance. Review status: criteria provided, multiple submitters, no conflicts (2 of 4 stars). 2 submissions from 2 submitters: Uncertain significance (2). Last evaluated 2025-05-29.

Conditions:
Inborn genetic diseases. Identifiers: MedGen C0950123, MeSH D030342.

Allele frequency attached by ClinVar (database versions not stated): ExAC 0.00001; TOPMed 0.00001; gnomAD 0.00002.
gnomAD v4.1: 43 of 1,614,002 alleles (0.0027%); highest among the groups gnomAD compares: Non-Finnish European, 0.0032%; no homozygotes.

Submissions (2):

Ambry Genetics
Classification: Uncertain significance for Inborn genetic diseases. Last evaluated: 2025-05-29. Review status: criteria provided, single submitter. Criteria: Ambry Variant Classification Scheme 2023. Collection method: clinical testing. Allele origin: germline.

Labcorp Genetics (formerly Invitae), Labcorp
Classification: Uncertain significance. Last evaluated: 2025-02-16. Review status: criteria provided, single submitter. Criteria: Invitae Variant Classification Sherloc (09022015). Collection method: clinical testing. Allele origin: germline.
Comment: This sequence change replaces arginine, which is basic and polar, with histidine, which is basic and polar, at codon 3619 of the TRRAP protein (p.Arg3619His). This variant is present in population databases (rs776096566, gnomAD 0.002%). This variant has not been reported in the literature in individuals affected with TRRAP-related conditions. ClinVar contains an entry for this variant (Variation ID: 1898139). Invitae Evidence Modeling of protein sequence and biophysical properties (such as structural, functional, and spatial information, amino acid conservation, physicochemical variation, residue mobility, and thermodynamic stability) indicates that this missense variant is not expected to disrupt TRRAP protein function with a negative predictive value of 80%. In summary, the available evidence is currently insufficient to determine the role of this variant in disease. Therefore, it has been classified as a Variant of Uncertain Significance.

NM_001375524.1(TRRAP):c.10985G>A (p.Arg3662His)

Gene: TRRAP (transformation/transcription domain associated protein; plus strand). Cytogenetic location: 7q22.1.
Variant type: single nucleotide variant.
Coding change: c.10985G>A on transcript NM_001375524.1 (MANE Select); coding-DNA position 10985, G replaced by A.
Protein change: p.Arg3662His; replaces arginine 3662 with histidine.
Molecular consequence: missense variant.
Genome position (GRCh38, 1-based): chr7:99,011,098, G>A. VCF-style: chr7-99011098-G-A. GRCh37 (hg19) VCF-style: chr7-98608721-G-A.
Other names: c.10943G>A, p.Arg3648His (NM_001244580.2); c.10856G>A, p.Arg3619His (NM_003496.4); c.10943G>A (NM_001244580.1); short protein forms R3648H, R3619H, R3662H.
Identifiers: ClinVar variation 1898139 (VCV001898139.6), dbSNP rs776096566, ClinGen allele CA4362060.